The following is an entry in ClinVar:

NM_001458.5(FLNC):c.3538T>C (p.Cys1180Arg)

Gene: FLNC (filamin C; plus strand). Cytogenetic location: 7q32.1.
Variant type: single nucleotide variant.
Coding change: c.3538T>C on transcript NM_001458.5 (MANE Select); coding-DNA position 3538, T replaced by C.
Protein change: p.Cys1180Arg; replaces cysteine 1180 with arginine.
Molecular consequence: missense variant.
Genome position (GRCh38, 1-based): chr7:128,845,003, T>C. VCF-style: chr7-128845003-T-C. GRCh37 (hg19) VCF-style: chr7-128485057-T-C.
Other names: c.3538T>C, p.Cys1180Arg (NM_001127487.2); short protein forms C1180R.
Identifiers: ClinVar variation 1732425 (VCV001732425.5), dbSNP rs1387259549, ClinGen allele CA369197190.

ClinVar aggregate classification (germline): Uncertain significance. Review status: criteria provided, multiple submitters, no conflicts (2 of 4 stars). 2 submissions from 2 submitters: Uncertain significance (2). Last evaluated 2026-01-05.

Conditions:
Cardiovascular phenotype. Identifiers: MedGen CN230736.
Distal myopathy with posterior leg and anterior hand involvement. Also called: WILLIAMS DISTAL MYOPATHY. Identifiers: Orphanet 63273, MedGen C3279722, MONDO:0013550, OMIM 614065.
Hypertrophic cardiomyopathy 26. Also called: Cardiomyopathy, familial hypertrophic, 26. Identifiers: Orphanet 75249, MedGen C4310749, MONDO:0014883, OMIM 617047.
Myofibrillar myopathy 5. Also called: Filaminopathy (type); FILAMINOPATHY, AUTOSOMAL DOMINANT. Identifiers: Orphanet 171445, MedGen C1836050, MONDO:0012289, OMIM 609524.

Allele frequency attached by ClinVar (database versions not stated): gnomAD exomes below 0.00001; gnomAD 0.00001; TOPMed 0.00001.

Submissions (2):

Labcorp Genetics (formerly Invitae), Labcorp
Classification: Uncertain significance for Distal myopathy with posterior leg and anterior hand involvement; Myofibrillar myopathy 5; Hypertrophic cardiomyopathy 26. Last evaluated: 2026-01-05. Review status: criteria provided, single submitter. Criteria: Invitae Variant Classification Sherloc (09022015). Collection method: clinical testing. Allele origin: germline.
Comment: This sequence change replaces cysteine, which is neutral and slightly polar, with arginine, which is basic and polar, at codon 1180 of the FLNC protein (p.Cys1180Arg). This variant is not present in population databases (gnomAD no frequency). This variant has not been reported in the literature in individuals affected with FLNC-related conditions. ClinVar contains an entry for this variant (Variation ID: 1732425). Invitae Evidence Modeling of protein sequence and biophysical properties (such as structural, functional, and spatial information, amino acid conservation, physicochemical variation, residue mobility, and thermodynamic stability) has been performed for this missense variant. However, the output from this modeling did not meet the statistical confidence thresholds required to predict the impact of this variant on FLNC protein function. In summary, the available evidence is currently insufficient to determine the role of this variant in disease. Therefore, it has been classified as a Variant of Uncertain Significance.

Ambry Genetics
Classification: Uncertain significance for Cardiovascular phenotype. Last evaluated: 2019-10-16. Review status: criteria provided, single submitter. Criteria: Ambry Variant Classification Scheme 2023. Collection method: clinical testing. Allele origin: germline.
Comment: The p.C1180R variant (also known as c.3538T>C), located in coding exon 21 of the FLNC gene, results from a T to C substitution at nucleotide position 3538. The cysteine at codon 1180 is replaced by arginine, an amino acid with highly dissimilar properties. This amino acid position is highly conserved in available vertebrate species. In addition, this alteration is predicted to be deleterious by in silico analysis. Since supporting evidence is limited at this time, the clinical significance of this alteration remains unclear.